The following is an entry in ClinVar:

NM_006648.4(WNK2):c.535G>A (p.Asp179Asn)

Gene: WNK2 (WNK lysine deficient protein kinase 2; plus strand). Cytogenetic location: 9q22.31.
Variant type: single nucleotide variant.
Coding change: c.535G>A on transcript NM_006648.4 (MANE Select); coding-DNA position 535, G replaced by A.
Protein change: p.Asp179Asn; replaces aspartic acid 179 with asparagine.
Molecular consequence: missense variant.
Genome position (GRCh38, 1-based): chr9:93,185,464, G>A. VCF-style: chr9-93185464-G-A. GRCh37 (hg19) VCF-style: chr9-95947746-G-A.
Other names: c.535G>A, p.Asp179Asn (NM_001282394.3); short protein forms D179N.
Identifiers: ClinVar variation 5031962 (VCV005031962.1).

ClinVar aggregate classification (germline): Uncertain significance (1 of 4 stars; one submission).

Submission:

Ambry Genetics
Classification: Uncertain significance. Last evaluated: 2026-08-31. Review status: criteria provided, single submitter. Criteria: Ambry Variant Classification Scheme 2023. Collection method: clinical testing. Allele origin: germline.
Comment: The p.D179N variant (also known as c.535G>A), located in coding exon 1 of the WNK2 gene, results from a G to A substitution at nucleotide position 535. The aspartic acid at codon 179 is replaced by asparagine, an amino acid with highly similar properties. This amino acid position is conserved. In addition, this alteration is predicted to be tolerated by in silico analysis. Based on the available evidence, the clinical significance of this variant remains unclear.